The following is an entry in ClinVar:

ClinVar aggregate classification (germline): Pathogenic. Review status: criteria provided, multiple submitters, no conflicts (2 of 4 stars). 25 submissions from 19 submitters: Pathogenic (21). 4 of the submissions do not count toward it. Last evaluated 2025-12-29.

Conditions:
SLC26A2-related disorder. Also called: SLC26A2-related disorders; SLC26A2-related condition. Identifiers: MedGen CN239404.
Achondrogenesis, type IB (ACG1B). Also called: Achondrogenesis Type 1B. Identifiers: Orphanet 932, Orphanet 93298, MedGen C0265274, MONDO:0010966, OMIM 600972.
Diastrophic dysplasia (DTD). Also called: Diastrophic dwarfism. Identifiers: Orphanet 628, MedGen C0220726, MONDO:0009107, OMIM 222600.
Multiple epiphyseal dysplasia type 4 (EDM4). Also called: Multiple Epiphyseal Dysplasia, Recessive; MULTIPLE EPIPHYSEAL DYSPLASIA WITH BILAYERED PATELLAE; MULTIPLE EPIPHYSEAL DYSPLASIA WITH CLUBFOOT; MULTIPLE EPIPHYSEAL DYSPLASIA, AUTOSOMAL RECESSIVE; SLC26A2-Related Multiple Epiphyseal Dysplasia. Identifiers: Orphanet 93307, MedGen C1847593, MONDO:0009189, OMIM 226900.
Atelosteogenesis type II (AO2). Also called: NEONATAL OSSEOUS DYSPLASIA I; SLC26A2-Related Atelosteogenesis; Neonatal osseous dysplasia 1. Identifiers: Orphanet 56304, MedGen C1850554, MONDO:0009727, OMIM 256050.
Sulfate transporter-related osteochondrodysplasia. Also called: DTDST-related dysplasias. Identifiers: MedGen CN120497. Disease mechanism: loss of function.
3MC syndrome 2. Also called: OCULO-SKELETAL-ABDOMINAL SYNDROME; OSA SYNDROME; PTOSIS OF EYELIDS WITH DIASTASIS RECTI AND HIP DYSPLASIA. Identifiers: Orphanet 293843, MedGen C0796279, MONDO:0009927, OMIM 265050.

Allele frequency attached by ClinVar (database versions not stated): TOPMed 0.00015; gnomAD 0.00055; 1000 Genomes Project 30x 0.00078; 1000 Genomes Project 0.00080.

Submissions 1 to 13 of 25:

Labcorp Genetics (formerly Invitae), Labcorp
Classification: Pathogenic for Atelosteogenesis type II; Multiple epiphyseal dysplasia type 4; Achondrogenesis, type IB; Diastrophic dysplasia. Last evaluated: 2025-12-29. Review status: criteria provided, single submitter. Criteria: Invitae Variant Classification Sherloc (09022015). Collection method: clinical testing. Allele origin: germline.
Comment: This sequence change falls in intron 1 of the SLC26A2 gene. It does not directly change the encoded amino acid sequence of the SLC26A2 protein. This variant is present in population databases (rs386833492, gnomAD 0.7%), and has an allele count higher than expected for a pathogenic variant. This variant has been observed in individuals with SLC26A2-related diseases in affected families (PMID: 10482955, 21077202, 23840040). It is commonly reported in individuals of Finnish ancestry (PMID: 10482955, 21077202, 23840040). ClinVar contains an entry for this variant (Variation ID: 4097). Algorithms developed to predict the effect of sequence changes on RNA splicing suggest that this variant may disrupt the consensus splice site. For these reasons, this variant has been classified as Pathogenic.

3billion
Classification: Pathogenic for SLC26A2-related disorder. Last evaluated: 2025-12-08. Review status: criteria provided, single submitter. Criteria: ACMG Guidelines, 2015. Collection method: clinical testing. Allele origin: germline. Affected: yes.
Comment: The variant is observed at an extremely low frequency in the gnomAD v4.1.0 dataset (total allele frequency: 0.054%). Predicted Consequence/Location: Canonical splice site: predicted to alter splicing and result in a loss or disruption of normal protein function. Multiple pathogenic loss-of-function variants are reported downstream of the variant. In silico tools predict the variant to alter splicing and produce an abnormal transcript [SpliceAI: 0.87 (spliceogenicity >=0.2, non-spliceogenicity <0.1)]. The variant has been reported at least twice as pathogenic with clinical assertions and evidence for the classification (ClinVar ID: VCV000004097 /PMID: 10482955). Therefore, this variant is classified as Pathogenic according to the recommendation of ACMG/AMP guideline.

Laboratory of Functional Genomics, Research Centre for Medical Genetics
Classification: Pathogenic for Diastrophic dysplasia. Last evaluated: 2025-11-25. Review status: criteria provided, single submitter. Criteria: ACMG Guidelines, 2015. Collection method: clinical testing, in vitro. Allele origin: germline, not applicable. Inheritance: Autosomal recessive inheritance. Affected: yes. Observed: 29 variant alleles. Functional consequence: decreased enzyme activity.
Comment: The SLC26A2 c.-26+2T>C variant occurs in frst canonical donor splice site and found in the general population with an overall allele frequency of 0.0005400 (82/151844 alleles) in the gnomAD (v4.1.0). This variant was identified in the homozygous state in two patients with DTD. In a compound heterozygous state, it was observed with p.Cys653Ser in 17 patients with rMED, and with p.Arg279Trp in 5 patients with rMED and 4 patients with an intermediate rMED/DTD phenotype. Sulfate uptake assays performed on patient fibroblasts revealed a significant reduction in the transmembrane transporter activity of SLC26A2.

CeGaT Center for Human Genetics Tuebingen
Classification: Pathogenic. Last evaluated: 2025-03-01. Review status: criteria provided, single submitter. Criteria: CeGaT Center For Human Genetics Tuebingen Variant Classification Criteria Version 2. Collection method: clinical testing. Allele origin: germline. Affected: yes. Observed: 4 variant alleles.
Comment: SLC26A2: PM3:Very Strong, PM2, PS3:Supporting

Blueprint Genetics
Classification: Pathogenic for SLC26A2-related disorders. Last evaluated: 2024-09-12. Review status: criteria provided, single submitter. Criteria: ACMG Guidelines, 2015. Collection method: clinical testing. Allele origin: germline. Affected: yes. Observed: 5 variant alleles.

GeneDx
Classification: Pathogenic. Last evaluated: 2024-07-12. Review status: criteria provided, single submitter. Criteria: GeneDx Variant Classification Process June 2021. Collection method: clinical testing. Allele origin: germline. Affected: yes.
Comment: The mRNA expression assay revealed that homozygous patients have a low but detectable level of correctly spliced mRNA, estimated to be approximately 5% of the wild-type allele (PMID: 10482955); In silico analysis supports a deleterious effect on splicing; This variant is associated with the following publications: (PMID: 18708426, 34064542, 33726816, 23840040, 21155763, 30423444, 24598000, 21922596, 21077202, 26147798, 27096365, 28569743, 33728303, 32655299, 34831381, 34627339, 37829280, 37265969, 36660027, 36285626, 35611473, 36651276, 36140680, 34493867, 38459613, 10482955, 20301524)

Natera, Inc.
Classification: Pathogenic for Achondrogenesis type IB. Last evaluated: 2024-06-20. Review status: criteria provided, single submitter. Criteria: Natera Variant Classification Schema (03/2026). Collection method: clinical testing. Allele origin: germline.
Comment: The c.-26+2T>C variant in SLC26A2 is a 5' untranslated region (UTR) variant located upstream of the translation start codon. This variant is rare in the general population with a frequency below the threshold expected for the associated phenotype(s). This variant has been observed in one or more individuals affected with the associated recessive disease, as either homozygous or compound heterozygous with a second variant (PMID: 23840040, 21077202, 10482955, 3614068). Additionally, this variant has been observed to segregate in affected family members (PMID: 23840040, 21155763). Computational prediction algorithms indicate this variant is likely to affect gene or protein function. Given the available evidence, this variant is classified as Pathogenic.

Baylor Genetics
Classification: Pathogenic for Achondrogenesis, type IB. Last evaluated: 2024-03-20. Review status: criteria provided, single submitter. Criteria: ACMG Guidelines, 2015. Collection method: clinical testing. Allele origin: unknown.

Fulgent Genetics
Classification: Pathogenic for Diastrophic dysplasia; Multiple epiphyseal dysplasia type 4; Atelosteogenesis type II; Achondrogenesis, type IB. Last evaluated: 2024-03-07. Review status: criteria provided, single submitter. Criteria: ACMG Guidelines, 2015. Collection method: clinical testing. Allele origin: germline.

ARUP Laboratories, Molecular Genetics and Genomics, ARUP Laboratories
Classification: Pathogenic. Last evaluated: 2024-02-09. Review status: criteria provided, single submitter. Criteria: ARUP Molecular Germline Variant Investigation Process 2024. Collection method: clinical testing. Allele origin: germline.
Comment: The SLC26A2 c.-26+2T>C variant (rs386833492) is reported as a founder variant in the Finnish population, largely in patients affected with diastrophic dysplasia (Hastbacka 1999). This variant is also reported in the homozygous or compound heterozygous state in patients with atelosteogenesis II, diastrophic dysplasia (DTD), diastrophic dysplasia variant, multiple epiphyseal dysplasia (rMED) as well as in the intermediate phenotype between DTD and rMED (Zechi-Ceide 2013). This variant disrupts the canonical splice donor site of intron 1, and functional assays show that patients homozygous for the c.-26+2T>C variant had approximately 5% of correctly spliced mRNA (Hasbacka 1999). This variant is found in the general population with an overall allele frequency of 0.14% (43/31128 alleles), with an increased frequency in the Finnish population of 0.69% in the Genome Aggregation Database (v2.1.1). Based on available information, this variant is considered to be pathogenic. References: Hastbacka J et al. Identification of the Finnish founder mutation for diastrophic dysplasia (DTD). Eur J Hum Genet. 1999 Sep;7(6):664-70. PMID: 10482955. Zechi-Ceide RM et al. A compound heterozygote SLC26A2 mutation resulting in robin sequence, mild limbs shortness, accelerated carpal ossification, and multiple epiphysial dysplasia in two Brazilian sisters. A new intermediate phenotype between diastrophic dysplasia and recessive multiple epiphyseal dysplasia. Am J Med Genet A. 2013 Aug;161A(8):2088-94. PMID: 23840040.

Revvity Omics, Revvity
Classification: Pathogenic. Last evaluated: 2022-03-31. Review status: criteria provided, single submitter. Criteria: ACMG Guidelines, 2015. Collection method: clinical testing. Allele origin: germline.

Baylor Genetics
Classification: Pathogenic for Atelosteogenesis type II. Last evaluated: 2021-04-07. Review status: criteria provided, single submitter. Criteria: ACMG Guidelines, 2015. Collection method: clinical testing. Allele origin: unknown.

Baylor Genetics
Classification: Pathogenic for Diastrophic dysplasia. Last evaluated: 2021-04-07. Review status: criteria provided, single submitter. Criteria: ACMG Guidelines, 2015. Collection method: clinical testing. Allele origin: unknown.

NM_000112.4(SLC26A2):c.-26+2T>C

Gene: SLC26A2 (solute carrier family 26 member 2; plus strand). Cytogenetic location: 5q32.
Variant type: single nucleotide variant.
Coding change: c.-26+2T>C on transcript NM_000112.4 (MANE Select); the canonical splice donor site of the intron after 26 bases upstream of the start codon, T replaced by C.
Molecular consequence: splice donor variant.
Genome position (GRCh38, 1-based): chr5:149,960,981, T>C. VCF-style: chr5-149960981-T-C. GRCh37 (hg19) VCF-style: chr5-149340544-T-C.
Other names: IVS1DS, T-C, +2.
Identifiers: ClinVar variation 4097 (VCV000004097.62), dbSNP rs386833492, ClinGen allele CA340160.
Genomic context (GRCh38, chr5:149,960,981, plus strand): 5'-CCACGGTGGAAGACGCGTGCCGCGGCGCCTGGTTGCCTGCAGCGGCCCGGACCCGAGAGG[T>C]GAGAAGAGGGAAGCGGACCAGGGAAGAGGGAGGGAGCGGTGCTGGCCGCCAAGCGGTCAG-3'